The following is an entry in ClinVar:

NM_002180.3(IGHMBP2):c.547C>T (p.His183Tyr)

Gene: IGHMBP2 (immunoglobulin mu DNA binding protein 2; plus strand). Cytogenetic location: 11q13.3.
Variant type: single nucleotide variant.
Coding change: c.547C>T on transcript NM_002180.3 (MANE Select); coding-DNA position 547, C replaced by T.
Protein change: p.His183Tyr; replaces histidine 183 with tyrosine.
Molecular consequence: missense variant.
Genome position (GRCh38, 1-based): chr11:68,908,631, C>T. VCF-style: chr11-68908631-C-T. GRCh37 (hg19) VCF-style: chr11-68676099-C-T.
Other names: short protein forms H183Y.
Identifiers: ClinVar variation 534919 (VCV000534919.10), dbSNP rs548256623, ClinGen allele CA6153314.

ClinVar aggregate classification (germline): Uncertain significance. Review status: criteria provided, multiple submitters, no conflicts (2 of 4 stars). 2 submissions from 2 submitters: Uncertain significance (2). Last evaluated 2026-01-01.

Conditions:
Autosomal recessive distal spinal muscular atrophy 1. Also called: HMN VI; NEURONOPATHY, SEVERE INFANTILE AXONAL, WITH RESPIRATORY FAILURE; SEVERE INFANTILE AXONAL NEUROPATHY WITH RESPIRATORY FAILURE; SPINAL MUSCULAR ATROPHY, DIAPHRAGMATIC; Spinal muscular atrophy with respiratory distress 1; NEURONOPATHY, DISTAL HEREDITARY MOTOR, HARDING TYPE VI. Identifiers: Orphanet 98920, MedGen C1858517, MONDO:0011436, OMIM 604320.
Charcot-Marie-Tooth disease axonal type 2S. Also called: CHARCOT-MARIE-TOOTH NEUROPATHY, TYPE 2S; CHARCOT-MARIE-TOOTH DISEASE, AXONAL, AUTOSOMAL RECESSIVE, TYPE 2S. Identifiers: Orphanet 443073, MedGen C4015349, MONDO:0014511, OMIM 616155.

Allele frequency attached by ClinVar (database versions not stated): gnomAD 0.00002 and 0.00003; ExAC 0.00003; TOPMed 0.00006; 1000 Genomes Project 30x 0.00016; 1000 Genomes Project 0.00020.
gnomAD v4.1: 36 of 1,603,212 alleles (0.0022%); highest among the groups gnomAD compares: African/African-American, 0.0067%; no homozygotes.

Submissions (2):

CeGaT Center for Human Genetics Tuebingen
Classification: Uncertain significance. Last evaluated: 2026-01-01. Review status: criteria provided, single submitter. Criteria: CeGaT Center For Human Genetics Tuebingen Variant Classification Criteria Version 2. Collection method: clinical testing. Allele origin: germline. Affected: yes. Observed: 1 variant allele.
Comment: IGHMBP2: PM2, BP4

Labcorp Genetics (formerly Invitae), Labcorp
Classification: Uncertain significance for Autosomal recessive distal spinal muscular atrophy 1; Charcot-Marie-Tooth disease axonal type 2S. Last evaluated: 2022-09-01. Review status: criteria provided, single submitter. Criteria: Invitae Variant Classification Sherloc (09022015). Collection method: clinical testing. Allele origin: germline.
Comment: This sequence change replaces histidine, which is basic and polar, with tyrosine, which is neutral and polar, at codon 183 of the IGHMBP2 protein (p.His183Tyr). This variant is present in population databases (rs548256623, gnomAD 0.007%). This variant has not been reported in the literature in individuals affected with IGHMBP2-related conditions. ClinVar contains an entry for this variant (Variation ID: 534919). Algorithms developed to predict the effect of missense changes on protein structure and function (SIFT, PolyPhen-2, Align-GVGD) all suggest that this variant is likely to be tolerated. Algorithms developed to predict the effect of sequence changes on RNA splicing suggest that this variant may disrupt the consensus splice site. In summary, the available evidence is currently insufficient to determine the role of this variant in disease. Therefore, it has been classified as a Variant of Uncertain Significance.